The following is an entry in ClinVar:

NM_014028.4(OSTM1):c.166G>A (p.Glu56Lys)

Gene: OSTM1 (osteoclastogenesis associated transmembrane protein 1; minus strand). Cytogenetic location: 6q21.
Variant type: single nucleotide variant.
Coding change: c.166G>A on transcript NM_014028.4 (MANE Select); coding-DNA position 166, G replaced by A.
Protein change: p.Glu56Lys; replaces glutamic acid 56 with lysine.
Molecular consequence: missense variant.
Genome position (GRCh38, 1-based): chr6:108,074,486, C>T on the plus strand (G>A on the coding strand, the complement: OSTM1 is on the minus strand). VCF-style: chr6-108074486-C-T. GRCh37 (hg19) VCF-style: chr6-108395690-C-T.
Other names: c.166G>A (NM_014028.3); short protein forms E56K.
Identifiers: ClinVar variation 1360873 (VCV001360873.6), dbSNP rs998450900, ClinGen allele CA145661197.

ClinVar aggregate classification (germline): Uncertain significance. Review status: criteria provided, multiple submitters, no conflicts (2 of 4 stars). 2 submissions from 2 submitters: Uncertain significance (2). Last evaluated 2025-03-03.

Conditions:
Inborn genetic diseases. Identifiers: MedGen C0950123, MeSH D030342.

Allele frequency attached by ClinVar (database versions not stated): TOPMed below 0.00001; gnomAD 0.00001.
gnomAD v4.1: 2 of 1,557,900 alleles (0.00013%); highest among the groups gnomAD compares: Non-Finnish European, 0.00017%; no homozygotes.

Submissions (2):

Ambry Genetics
Classification: Uncertain significance for Inborn genetic diseases. Last evaluated: 2025-03-03. Review status: criteria provided, single submitter. Criteria: Ambry Variant Classification Scheme 2023. Collection method: clinical testing. Allele origin: germline.

Labcorp Genetics (formerly Invitae), Labcorp
Classification: Uncertain significance. Last evaluated: 2022-07-12. Review status: criteria provided, single submitter. Criteria: Invitae Variant Classification Sherloc (09022015). Collection method: clinical testing. Allele origin: germline.
Comment: This sequence change replaces glutamic acid, which is acidic and polar, with lysine, which is basic and polar, at codon 56 of the OSTM1 protein (p.Glu56Lys). This variant is present in population databases (no rsID available, gnomAD 0.003%). This variant has not been reported in the literature in individuals affected with OSTM1-related conditions. ClinVar contains an entry for this variant (Variation ID: 1360873). Algorithms developed to predict the effect of missense changes on protein structure and function are either unavailable or do not agree on the potential impact of this missense change (SIFT: "Tolerated"; PolyPhen-2: "Possibly Damaging"; Align-GVGD: "Class C0"). Algorithms developed to predict the effect of sequence changes on RNA splicing suggest that this variant may create or strengthen a splice site. In summary, the available evidence is currently insufficient to determine the role of this variant in disease. Therefore, it has been classified as a Variant of Uncertain Significance.